The following is an entry in ClinVar:

ClinVar aggregate classification (germline): Uncertain significance. Review status: criteria provided, multiple submitters, no conflicts (2 of 4 stars). 3 submissions from 3 submitters: Uncertain significance (3). Last evaluated 2026-02-01.

Conditions:
Neurodegeneration with brain iron accumulation 6 (NBIA6). Also called: COASY protein-associated neurodegeneration. Identifiers: Orphanet 397725, MedGen C4517377, MONDO:0014290, OMIM 615643.

Allele frequency attached by ClinVar (database versions not stated): ExAC 0.00002; gnomAD 0.00002; TOPMed 0.00004; ESP Exome Variant Server 0.00008.

Submissions (3):

CeGaT Center for Human Genetics Tuebingen
Classification: Uncertain significance. Last evaluated: 2026-02-01. Review status: criteria provided, single submitter. Criteria: CeGaT Center For Human Genetics Tuebingen Variant Classification Criteria Version 2. Collection method: clinical testing. Allele origin: germline. Affected: yes. Observed: 1 variant allele.
Comment: COASY: PM2, BP4

Labcorp Genetics (formerly Invitae), Labcorp
Classification: Uncertain significance for Neurodegeneration with brain iron accumulation 6. Last evaluated: 2024-10-28. Review status: criteria provided, single submitter. Criteria: Invitae Variant Classification Sherloc (09022015). Collection method: clinical testing. Allele origin: germline.
Comment: This sequence change replaces arginine, which is basic and polar, with cysteine, which is neutral and slightly polar, at codon 543 of the COASY protein (p.Arg543Cys). This variant is present in population databases (rs150098326, gnomAD 0.01%). This variant has not been reported in the literature in individuals affected with COASY-related conditions. ClinVar contains an entry for this variant (Variation ID: 1037364). Invitae Evidence Modeling of protein sequence and biophysical properties (such as structural, functional, and spatial information, amino acid conservation, physicochemical variation, residue mobility, and thermodynamic stability) indicates that this missense variant is not expected to disrupt COASY protein function with a negative predictive value of 80%. In summary, the available evidence is currently insufficient to determine the role of this variant in disease. Therefore, it has been classified as a Variant of Uncertain Significance.

GeneDx
Classification: Uncertain significance. Last evaluated: 2024-07-09. Review status: criteria provided, single submitter. Criteria: GeneDx Variant Classification Process June 2021. Collection method: clinical testing. Allele origin: germline. Affected: yes.
Comment: Not observed at significant frequency in large population cohorts (gnomAD); In silico analysis supports that this missense variant has a deleterious effect on protein structure/function; Has not been previously published as pathogenic or benign to our knowledge

NM_025233.7(COASY):c.1627C>T (p.Arg543Cys)

Gene: COASY (Coenzyme A synthase; plus strand). Cytogenetic location: 17q21.2.
Variant type: single nucleotide variant.
Coding change: c.1627C>T on transcript NM_025233.7 (MANE Select); coding-DNA position 1627, C replaced by T.
Protein change: p.Arg543Cys; replaces arginine 543 with cysteine.
Molecular consequence: missense variant.
Genome position (GRCh38, 1-based): chr17:42,565,800, C>T. VCF-style: chr17-42565800-C-T. GRCh37 (hg19) VCF-style: chr17-40717818-C-T.
Other names: c.1627C>T, p.Arg543Cys (NM_001042529.3); c.1714C>T, p.Arg572Cys (NM_001042532.4); c.1627C>T (NM_025233.6); short protein forms R572C, R543C.
Identifiers: ClinVar variation 1037364 (VCV001037364.11), dbSNP rs150098326, ClinGen allele CA8578408.